The following is an entry in ClinVar:

NM_016263.4(FZR1):c.1193C>T (p.Thr398Met)

Gene: FZR1 (fizzy and cell division cycle 20 related 1; plus strand). Cytogenetic location: 19p13.3.
Variant type: single nucleotide variant.
Coding change: c.1193C>T on transcript NM_016263.4 (MANE Select); coding-DNA position 1193, C replaced by T.
Protein change: p.Thr398Met; replaces threonine 398 with methionine.
Molecular consequence: missense variant.
Genome position (GRCh38, 1-based): chr19:3,532,601, C>T. VCF-style: chr19-3532601-C-T. GRCh37 (hg19) VCF-style: chr19-3532599-C-T.
Other names: p.Thr398Met; c.926C>T, p.Thr309Met (NM_001136197.1); c.1193C>T, p.Thr398Met (NM_001136198.1); short protein forms T309M, T398M.
Identifiers: ClinVar variation 5021454 (VCV005021454.1).

ClinVar aggregate classification (germline): Uncertain significance (1 of 4 stars; one submission).

Conditions:
Developmental and epileptic encephalopathy 109 (DEE109). Identifiers: MedGen C5774263, MONDO:0859325, OMIM 620145.

gnomAD v4.1: 3 of 1,612,654 alleles (0.00019%); highest among the groups gnomAD compares: Non-Finnish European, 0.00025%; no homozygotes.

Submission:

Foundation for Research in Genetics and Endocrinology, FRIGE's Institute of Human Genetics
Classification: Uncertain significance for Developmental and epileptic encephalopathy 109. Last evaluated: 2026-09-10. Review status: criteria provided, single submitter. Criteria: ACMG Guidelines, 2015. Collection method: clinical testing. Allele origin: germline. Inheritance: Autosomal dominant inheritance. Affected: yes. Observed: 1 variant allele, 1 heterozygote.
Comment: A heterozygous missense variant in exon 11 of the FZR1 gene that results in the amino acid substitution of Methionine for Threonine at codon 398 (p.Thr398Met) was detected. This variant has not been reported in the 1000 genomes, gnomAD (v3.1) and topmed databases and has a minor allele frequency of 0.00040% in the gnomAD (v2.1) database. The in silico predictions of the variant are possibly damaging by PolyPhen-2 and damaging by SIFT, LRT, CONDEL and MetaSVM. The reference codon is conserved across species. In summary, the variant meets our criteria to be classified as variant of uncertain significance.